The following is an entry in ClinVar:

NM_012418.4(FSCN2):c.55G>A (p.Asp19Asn)

Gene: FSCN2 (fascin actin-bundling protein 2, retinal; plus strand). Cytogenetic location: 17q25.3.
Variant type: single nucleotide variant.
Coding change: c.55G>A on transcript NM_012418.4 (MANE Select); coding-DNA position 55, G replaced by A.
Protein change: p.Asp19Asn; replaces aspartic acid 19 with asparagine.
Molecular consequence: missense variant.
Genome position (GRCh38, 1-based): chr17:81,528,586, G>A. VCF-style: chr17-81528586-G-A. GRCh37 (hg19) VCF-style: chr17-79495612-G-A.
Other names: c.55G>A, p.Asp19Asn (NM_001077182.3); short protein forms D19N.
Identifiers: ClinVar variation 971078 (VCV000971078.10), dbSNP rs781918011, ClinGen allele CA8836568.

ClinVar aggregate classification (germline): Uncertain significance (1 of 4 stars; one submission).

Allele frequency attached by ClinVar (database versions not stated): ExAC 0.00001; gnomAD 0.00001.

Submission:

Labcorp Genetics (formerly Invitae), Labcorp
Classification: Uncertain significance. Last evaluated: 2023-11-27. Review status: criteria provided, single submitter. Criteria: Invitae Variant Classification Sherloc (09022015). Collection method: clinical testing. Allele origin: germline.
Comment: This sequence change replaces aspartic acid, which is acidic and polar, with asparagine, which is neutral and polar, at codon 19 of the FSCN2 protein (p.Asp19Asn). This variant is present in population databases (rs781918011, gnomAD 0.02%). This variant has not been reported in the literature in individuals affected with FSCN2-related conditions. ClinVar contains an entry for this variant (Variation ID: 971078). An algorithm developed to predict the effect of missense changes on protein structure and function (PolyPhen-2) suggests that this variant is likely to be tolerated. In summary, the available evidence is currently insufficient to determine the role of this variant in disease. Therefore, it has been classified as a Variant of Uncertain Significance.